The following is an entry in ClinVar:

NM_004304.5(ALK):c.137A>G (p.Tyr46Cys)

Gene: ALK (ALK receptor tyrosine kinase; minus strand). Cytogenetic location: 2p23.1.
Variant type: single nucleotide variant.
Coding change: c.137A>G on transcript NM_004304.5 (MANE Select); coding-DNA position 137, A replaced by G.
Protein change: p.Tyr46Cys; replaces tyrosine 46 with cysteine.
Molecular consequence: missense variant.
Genome position (GRCh38, 1-based): chr2:29,920,523, T>C on the plus strand (A>G on the coding strand, the complement: ALK is on the minus strand). VCF-style: chr2-29920523-T-C. GRCh37 (hg19) VCF-style: chr2-30143389-T-C.
Other names: short protein forms Y46C.
Identifiers: ClinVar variation 4680365 (VCV004680365.1).

ClinVar aggregate classification (germline): Uncertain significance (1 of 4 stars; one submission).

Conditions:
Hereditary cancer-predisposing syndrome. Also called: Neoplastic Syndromes, Hereditary; Tumor predisposition; Hereditary Cancer Syndrome; Hereditary neoplastic syndrome. Identifiers: Orphanet 140162, MedGen C0027672, MeSH D009386, MONDO:0015356.

gnomAD v4.1: 6 of 1,611,482 alleles (0.00037%); highest among the groups gnomAD compares: South Asian, 0.0066%; no homozygotes.

Submission:

Ambry Genetics
Classification: Uncertain significance for Hereditary cancer-predisposing syndrome. Last evaluated: 2025-11-20. Review status: criteria provided, single submitter. Criteria: Ambry Variant Classification Scheme 2023. Collection method: clinical testing. Allele origin: germline.
Comment: The p.Y46C variant (also known as c.137A>G), located in coding exon 1 of the ALK gene, results from an A to G substitution at nucleotide position 137. The tyrosine at codon 46 is replaced by cysteine, an amino acid with highly dissimilar properties. This amino acid position is conserved. In addition, the in silico prediction for this alteration is inconclusive. Based on the available evidence, the clinical significance of this variant remains unclear.